The following is an entry in ClinVar:

NM_024854.5(PYROXD1):c.1351A>C (p.Met451Leu)

Gene: PYROXD1 (pyridine nucleotide-disulphide oxidoreductase domain 1; plus strand). Cytogenetic location: 12p12.1.
Variant type: single nucleotide variant.
Coding change: c.1351A>C on transcript NM_024854.5 (MANE Select); coding-DNA position 1351, A replaced by C.
Protein change: p.Met451Leu; replaces methionine 451 with leucine.
Molecular consequence: missense variant.
Genome position (GRCh38, 1-based): chr12:21,468,602, A>C. VCF-style: chr12-21468602-A-C. GRCh37 (hg19) VCF-style: chr12-21621536-A-C.
Other names: c.1138A>C, p.Met380Leu (NM_001350912.2); c.574A>C, p.Met192Leu (NM_001350913.2); short protein forms M380L, M451L, M192L.
Identifiers: ClinVar variation 1481261 (VCV001481261.3), dbSNP rs1213108446, ClinGen allele CA384112476.

ClinVar aggregate classification (germline): Uncertain significance (1 of 4 stars; one submission).

gnomAD v4.1: 8 of 1,613,172 alleles (0.0005%); highest among the groups gnomAD compares: Admixed American, 0.013%; no homozygotes.

Submission:

Labcorp Genetics (formerly Invitae), Labcorp
Classification: Uncertain significance. Last evaluated: 2021-10-05. Review status: criteria provided, single submitter. Criteria: Invitae Variant Classification Sherloc (09022015). Collection method: clinical testing. Allele origin: germline.
Comment: This sequence change replaces methionine with leucine at codon 451 of the PYROXD1 protein (p.Met451Leu). The methionine residue is moderately conserved and there is a small physicochemical difference between methionine and leucine. This variant is not present in population databases (ExAC no frequency). This variant has not been reported in the literature in individuals affected with PYROXD1-related conditions. Algorithms developed to predict the effect of missense changes on protein structure and function output the following: SIFT: "Tolerated"; PolyPhen-2: "Benign"; Align-GVGD: "Class C0". The leucine amino acid residue is found in multiple mammalian species, which suggests that this missense change does not adversely affect protein function. In summary, the available evidence is currently insufficient to determine the role of this variant in disease. Therefore, it has been classified as a Variant of Uncertain Significance.